The following is an entry in ClinVar:

ClinVar aggregate classification (germline): Uncertain significance. Review status: criteria provided, multiple submitters, no conflicts (2 of 4 stars). 2 submissions from 2 submitters: Uncertain significance (2). Last evaluated 2024-05-07.

Conditions:
Choanal atresia-athelia-hypothyroidism-delayed puberty-short stature syndrome (BCAHH). Also called: BRANCHIAL ARCH ABNORMALITIES, CHOANAL ATRESIA, ATHELIA, HEARING LOSS, AND HYPOTHYROIDISM SYNDROME. Identifiers: Orphanet 589856, MedGen C5680310, MONDO:0035651, OMIM 620186.
Kabuki syndrome 1 (KABUK1). Also called: KMT2D-Related Kabuki Syndrome. Identifiers: Orphanet 2322, MedGen CN030661, MONDO:0007843, OMIM 147920.
Kabuki syndrome. Also called: NIIKAWA-KUROKI SYNDROME; Kabuki make-up syndrome. Identifiers: Orphanet 2322, MedGen C0796004, MONDO:0016512.

Submissions (2):

Fulgent Genetics
Classification: Uncertain significance for Kabuki syndrome 1; Choanal atresia-athelia-hypothyroidism-delayed puberty-short stature syndrome. Last evaluated: 2024-05-07. Review status: criteria provided, single submitter. Criteria: ACMG Guidelines, 2015. Collection method: clinical testing. Allele origin: germline.

Labcorp Genetics (formerly Invitae), Labcorp
Classification: Uncertain significance for Kabuki syndrome. Last evaluated: 2024-04-16. Review status: criteria provided, single submitter. Criteria: Invitae Variant Classification Sherloc (09022015). Collection method: clinical testing. Allele origin: germline.
Comment: This sequence change replaces glutamine, which is neutral and polar, with glutamic acid, which is acidic and polar, at codon 3379 of the KMT2D protein (p.Gln3379Glu). This variant is not present in population databases (gnomAD no frequency). This variant has not been reported in the literature in individuals affected with KMT2D-related conditions. Advanced modeling of protein sequence and biophysical properties (such as structural, functional, and spatial information, amino acid conservation, physicochemical variation, residue mobility, and thermodynamic stability) performed at Invitae indicates that this missense variant is not expected to disrupt KMT2D protein function with a negative predictive value of 95%. In summary, the available evidence is currently insufficient to determine the role of this variant in disease. Therefore, it has been classified as a Variant of Uncertain Significance.

NM_003482.4(KMT2D):c.10135C>G (p.Gln3379Glu)

Gene: KMT2D (lysine methyltransferase 2D; minus strand). Cytogenetic location: 12q13.12.
Variant type: single nucleotide variant.
Coding change: c.10135C>G on transcript NM_003482.4 (MANE Select); coding-DNA position 10135, C replaced by G.
Protein change: p.Gln3379Glu; replaces glutamine 3379 with glutamic acid.
Molecular consequence: missense variant.
Genome position (GRCh38, 1-based): chr12:49,037,221, G>C on the plus strand (C>G on the coding strand, the complement: KMT2D is on the minus strand). VCF-style: chr12-49037221-G-C. GRCh37 (hg19) VCF-style: chr12-49431004-G-C.
Other names: short protein forms Q3379E.
Identifiers: ClinVar variation 3574734 (VCV003574734.3).